The following is an entry in ClinVar:

ClinVar aggregate classification (germline): Pathogenic (1 of 4 stars; one submission).

Submission:

Labcorp Genetics (formerly Invitae), Labcorp
Classification: Pathogenic. Last evaluated: 2023-05-23. Review status: criteria provided, single submitter. Criteria: Invitae Variant Classification Sherloc (09022015). Collection method: clinical testing. Allele origin: germline.
Comment: For these reasons, this variant has been classified as Pathogenic. This variant has not been reported in the literature in individuals affected with MYO18B-related conditions. This variant is not present in population databases (gnomAD no frequency). This sequence change creates a premature translational stop signal (p.Lys107Glnfs*12) in the MYO18B gene. It is expected to result in an absent or disrupted protein product. Loss-of-function variants in MYO18B are known to be pathogenic (PMID: 25748484, 32184166, 32637634).

Literature cited by the submitters: PubMed 25748484; PubMed 32184166; PubMed 32637634.

NM_032608.7(MYO18B):c.314_315insC (p.Lys107fs)

Gene: MYO18B (myosin XVIIIB; plus strand). Cytogenetic location: 22q12.1.
Variant type: Insertion.
Coding change: c.314_315insC on transcript NM_032608.7 (MANE Select); coding-DNA positions 314 to 315, C inserted.
Protein change: p.Lys107fs; shifts the reading frame from lysine 107.
Molecular consequence: frameshift variant.
Genome position: GRCh38 VCF-style: chr22-25768230-T-TC. GRCh37 (hg19) VCF-style: chr22-26164197-T-TC.
Other names: c.314_315insC, p.Lys107fs (NM_001318245.2); short protein forms K107fs.
Identifiers: ClinVar variation 2766996 (VCV002766996.3), dbSNP rs2517649919, ClinGen allele CA2697552586.